The following is an entry in ClinVar:

ClinVar aggregate classification (germline): Uncertain significance. Review status: criteria provided, multiple submitters, no conflicts (2 of 4 stars). 2 submissions from 2 submitters: Uncertain significance (2). Last evaluated 2024-12-09.

Conditions:
Sialuria. Also called: SIALURIA, FRENCH TYPE; Sialic Acid Storage Disease. Identifiers: Orphanet 3166, MedGen C0342853, MONDO:0010028, OMIM 269921.
GNE myopathy (NM). Also called: NONAKA DISTAL MYOPATHY; INCLUSION BODY MYOPATHY, HEREDITARY, AUTOSOMAL RECESSIVE; INCLUSION BODY MYOPATHY 2, AUTOSOMAL RECESSIVE; MYOPATHY, DISTAL, WITH OR WITHOUT RIMMED VACUOLES; IBM 2; Inclusion body myopathy autosomal recessive. Identifiers: Orphanet 602, MedGen C1853926, MONDO:0011603, OMIM 605820.

gnomAD v4.1: 33 of 1,613,984 alleles (0.002%); highest among the groups gnomAD compares: Non-Finnish European, 0.0028%; no homozygotes.

Submissions (2):

GeneDx
Classification: Uncertain significance. Last evaluated: 2024-12-09. Review status: criteria provided, single submitter. Criteria: GeneDx Variant Classification Process June 2021. Collection method: clinical testing. Allele origin: germline. Affected: yes.
Comment: Not observed at significant frequency in large population cohorts (gnomAD); Missense variants in this gene are a common cause of disease and they are underrepresented in the general population; In silico analysis indicates that this missense variant does not alter protein structure/function; Has not been previously published as pathogenic or benign to our knowledge; This variant is associated with the following publications: (PMID: 24796702)

Labcorp Genetics (formerly Invitae), Labcorp
Classification: Uncertain significance for Sialuria; GNE myopathy. Last evaluated: 2024-06-17. Review status: criteria provided, single submitter. Criteria: Invitae Variant Classification Sherloc (09022015). Collection method: clinical testing. Allele origin: germline.
Comment: This sequence change replaces proline, which is neutral and non-polar, with alanine, which is neutral and non-polar, at codon 305 of the GNE protein (p.Pro305Ala). This variant is not present in population databases (gnomAD no frequency). This variant has not been reported in the literature in individuals affected with GNE-related conditions. Advanced modeling of protein sequence and biophysical properties (such as structural, functional, and spatial information, amino acid conservation, physicochemical variation, residue mobility, and thermodynamic stability) has been performed at Invitae for this missense variant, however the output from this modeling did not meet the statistical confidence thresholds required to predict the impact of this variant on GNE protein function. In summary, the available evidence is currently insufficient to determine the role of this variant in disease. Therefore, it has been classified as a Variant of Uncertain Significance.

NM_005476.7(GNE):c.820C>G (p.Pro274Ala)

Gene: GNE (glucosamine (UDP-N-acetyl)-2-epimerase/N-acetylmannosamine kinase; minus strand). Cytogenetic location: 9p13.3.
Variant type: single nucleotide variant.
Coding change: c.820C>G on transcript NM_005476.7 (MANE Select); coding-DNA position 820, C replaced by G.
Protein change: p.Pro274Ala; replaces proline 274 with alanine.
Molecular consequence: missense variant.
Genome position (GRCh38, 1-based): chr9:36,234,082, G>C on the plus strand (C>G on the coding strand, the complement: GNE is on the minus strand). VCF-style: chr9-36234082-G-C. GRCh37 (hg19) VCF-style: chr9-36234079-G-C.
Other names: c.913C>G, p.Pro305Ala (NM_001128227.3); c.820C>G, p.Pro274Ala (NM_001190383.3); c.490C>G, p.Pro164Ala (NM_001190384.3); c.643C>G, p.Pro215Ala (NM_001190388.2, NM_001374798.1); c.667C>G, p.Pro223Ala (NM_001374797.1); c.913C>G (NM_001128227.2); short protein forms P164A, P215A, P223A, P274A, P305A.
Identifiers: ClinVar variation 3757978 (VCV003757978.3).